The following is an entry in ClinVar:

ClinVar aggregate classification (germline): Likely benign. Review status: criteria provided, multiple submitters, no conflicts (2 of 4 stars). 3 submissions from 3 submitters: Likely benign (2). 1 of the submissions does not count toward it. Last evaluated 2025-05-30.

Conditions:
RMND1-related disorder. Also called: RMND1-related condition.

Allele frequency attached by ClinVar (database versions not stated): TOPMed 0.00001; gnomAD 0.00002; gnomAD exomes 0.00002 and 0.00003; ExAC 0.00004.
gnomAD v4.1: 36 of 1,613,834 alleles (0.0022%); highest among the groups gnomAD compares: Non-Finnish European, 0.0029%; no homozygotes.

Submissions (3):

Labcorp Genetics (formerly Invitae), Labcorp
Classification: Likely benign. Last evaluated: 2025-05-30. Review status: criteria provided, single submitter. Criteria: Invitae Variant Classification Sherloc (09022015). Collection method: clinical testing. Allele origin: germline.

Blueprint Genetics
Classification: Likely benign. Last evaluated: 2023-09-01. Review status: criteria provided, single submitter. Criteria: ACMG Guidelines, 2015. Collection method: clinical testing. Allele origin: germline.

PreventionGenetics, part of Exact Sciences
Classification: Likely benign for RMND1-related condition. Last evaluated: 2019-07-23. Review status: no assertion criteria provided. Collection method: clinical testing. Allele origin: germline. Not counted in ClinVar's aggregate classification.
Comment: This variant is classified as likely benign based on ACMG/AMP sequence variant interpretation guidelines (Richards et al. 2015 PMID: 25741868, with internal and published modifications).

NM_017909.4(RMND1):c.900A>G (p.Leu300=)

Gene: RMND1 (required for meiotic nuclear division 1 homolog; minus strand). Cytogenetic location: 6q25.1.
Variant type: single nucleotide variant.
Coding change: c.900A>G on transcript NM_017909.4 (MANE Select); coding-DNA position 900, A replaced by G.
Protein change: p.Leu300=; no amino-acid change (leucine 300 retained).
Molecular consequence: synonymous variant.
Genome position (GRCh38, 1-based): chr6:151,423,562, T>C on the plus strand (A>G on the coding strand, the complement: RMND1 is on the minus strand). VCF-style: chr6-151423562-T-C. GRCh37 (hg19) VCF-style: chr6-151744697-T-C.
Other names: c.390A>G, p.Leu130= (NM_001271937.2); c.900A>G (NM_017909.3).
Identifiers: ClinVar variation 1624962 (VCV001624962.11), dbSNP rs776237472, ClinGen allele CA4050879.